The following is an entry in ClinVar:

NM_001182.5(ALDH7A1):c.1129G>A (p.Ala377Thr)

Gene: ALDH7A1 (aldehyde dehydrogenase 7 family member A1; minus strand). Cytogenetic location: 5q23.2.
Variant type: single nucleotide variant.
Coding change: c.1129G>A on transcript NM_001182.5 (MANE Select); coding-DNA position 1129, G replaced by A.
Protein change: p.Ala377Thr; replaces alanine 377 with threonine.
Molecular consequence: missense variant. On other transcripts: intron variant (1).
Genome position (GRCh38, 1-based): chr5:126,554,358, C>T on the plus strand (G>A on the coding strand, the complement: ALDH7A1 is on the minus strand). VCF-style: chr5-126554358-C-T. GRCh37 (hg19) VCF-style: chr5-125890050-C-T.
Other names: c.1045G>A, p.Ala349Thr (NM_001201377.2); c.1009-2221G>A (NM_001202404.2); short protein forms A377T, A349T.
Identifiers: ClinVar variation 658110 (VCV000658110.4), dbSNP rs750205677, ClinGen allele CA126887607.

ClinVar aggregate classification (germline): Uncertain significance (1 of 4 stars; one submission).

Conditions:
Pyridoxine-dependent epilepsy (EPEO4). Also called: Pyridoxine-Dependent Seizures; EPILEPSY, EARLY-ONSET, 4, VITAMIN B6-DEPENDENT; PYRIDOXINE DEPENDENCY WITH SEIZURES; Pyridoxine-Dependent Epilepsy - ALDH7A1. Identifiers: Orphanet 3006, MedGen C1849508, MONDO:0009945, OMIM 266100. Disease mechanism: loss of function.

Allele frequency attached by ClinVar (database versions not stated): gnomAD exomes below 0.00001.
gnomAD v4.1: 4 of 1,614,074 alleles (0.00025%); highest among the groups gnomAD compares: African/African-American, 0.0053%; no homozygotes.

Submission:

Labcorp Genetics (formerly Invitae), Labcorp
Classification: Uncertain significance for Pyridoxine-dependent epilepsy. Last evaluated: 2021-11-27. Review status: criteria provided, single submitter. Criteria: Invitae Variant Classification Sherloc (09022015). Collection method: clinical testing. Allele origin: germline.
Comment: This sequence change replaces alanine, which is neutral and non-polar, with threonine, which is neutral and polar, at codon 377 of the ALDH7A1 protein (p.Ala377Thr). This variant is not present in population databases (gnomAD no frequency). This variant has not been reported in the literature in individuals affected with ALDH7A1-related conditions. ClinVar contains an entry for this variant (Variation ID: 658110). Advanced modeling of protein sequence and biophysical properties (such as structural, functional, and spatial information, amino acid conservation, physicochemical variation, residue mobility, and thermodynamic stability) performed at Invitae indicates that this missense variant is expected to disrupt ALDH7A1 protein function. In summary, the available evidence is currently insufficient to determine the role of this variant in disease. Therefore, it has been classified as a Variant of Uncertain Significance.